The following is an entry in ClinVar:

ClinVar aggregate classification (germline): Uncertain significance. Review status: criteria provided, multiple submitters, no conflicts (2 of 4 stars). 2 submissions from 2 submitters: Uncertain significance (2). Last evaluated 2026-08-06.

Conditions:
Congenital myopathy 10b, mild variant. Also called: Myopathy, areflexia, respiratory distress, and dysphagia, early-onset, mild variant. Identifiers: MedGen C3541476, MONDO:0859515, OMIM 620249.
MEGF10-related myopathy (CMYO10A). Also called: Congenital myopathy 10A, severe variant. Identifiers: Orphanet 439212, MedGen C3280679, MONDO:0013731, OMIM 614399.

Allele frequency attached by ClinVar (database versions not stated): gnomAD 0.00001; ExAC 0.00002; gnomAD exomes 0.00002; TOPMed 0.00003.
gnomAD v4.1: 39 of 1,613,930 alleles (0.0024%); highest among the groups gnomAD compares: Non-Finnish European, 0.0028%; no homozygotes.

Submissions (2):

OLLIN Analises Genomicas, OLLIN
Classification: Uncertain significance for Congenital myopathy 10b, mild variant. Last evaluated: 2026-08-06. Review status: criteria provided, single submitter. Criteria: ACMG Guidelines 2015 PMID 25741868. Collection method: clinical testing. Allele origin: germline.
Comment: This missense variant, located in exon 13 (of 25), has been reported in ClinVar (accession VCV000935391.9) and in gnomAD with an allele frequency of 0.0024%. However, to our knowledge, it has not been reported in the scientific literature. In silico analysis predicts that this variant has a tolerated effect. According to the currently available evidence, this variant has been classified as uncertain significance (PM2_P, BP4).

Labcorp Genetics (formerly Invitae), Labcorp
Classification: Uncertain significance for MEGF10-related myopathy. Last evaluated: 2023-10-03. Review status: criteria provided, single submitter. Criteria: Invitae Variant Classification Sherloc (09022015). Collection method: clinical testing. Allele origin: germline.
Comment: This sequence change replaces alanine, which is neutral and non-polar, with threonine, which is neutral and polar, at codon 539 of the MEGF10 protein (p.Ala539Thr). This variant is present in population databases (rs777005994, gnomAD 0.004%). This variant has not been reported in the literature in individuals affected with MEGF10-related conditions. ClinVar contains an entry for this variant (Variation ID: 935391). Advanced modeling of protein sequence and biophysical properties (such as structural, functional, and spatial information, amino acid conservation, physicochemical variation, residue mobility, and thermodynamic stability) performed at Invitae indicates that this missense variant is not expected to disrupt MEGF10 protein function. In summary, the available evidence is currently insufficient to determine the role of this variant in disease. Therefore, it has been classified as a Variant of Uncertain Significance.

NM_001256545.2(MEGF10):c.1615G>A (p.Ala539Thr)

Gene: MEGF10 (multiple EGF like domains 10; plus strand). Cytogenetic location: 5q23.2.
Variant type: single nucleotide variant.
Coding change: c.1615G>A on transcript NM_001256545.2 (MANE Select); coding-DNA position 1615, G replaced by A.
Protein change: p.Ala539Thr; replaces alanine 539 with threonine.
Molecular consequence: missense variant.
Genome position (GRCh38, 1-based): chr5:127,422,694, G>A. VCF-style: chr5-127422694-G-A. GRCh37 (hg19) VCF-style: chr5-126758386-G-A.
Other names: c.1615G>A, p.Ala539Thr (NM_001308119.2, NM_001308121.2, NM_032446.3); short protein forms A539T.
Identifiers: ClinVar variation 935391 (VCV000935391.10), dbSNP rs777005994, ClinGen allele CA3391649.